The following is an entry in ClinVar:

ClinVar aggregate classification (germline): Uncertain significance. Review status: criteria provided, multiple submitters, no conflicts (2 of 4 stars). 2 submissions from 2 submitters: Uncertain significance (2). Last evaluated 2019-09-27.

Conditions:
GNPTG-mucolipidosis. Also called: ML III GAMMA; ML IIIC; Mucolipidosis type III gamma; MUCOLIPIDOSIS III, COMPLEMENTATION GROUP C; MUCOLIPIDOSIS III, IRANIAN VARIANT FORM; MUCOLIPIDOSIS III, VARIANT FORM. Identifiers: Orphanet 423470, Orphanet 577, MedGen C1854896, MONDO:0009652, OMIM 252605.

Allele frequency attached by ClinVar (database versions not stated): gnomAD exomes below 0.00001; ExAC 0.00001.
gnomAD v4.1: 1 of 1,614,126 alleles (0.000062%); highest among the groups gnomAD compares: South Asian, 0.0011%; no homozygotes.

Submissions (2):

Revvity Omics, Revvity
Classification: Uncertain significance for GNPTG-mucolipidosis. Last evaluated: 2019-09-27. Review status: criteria provided, single submitter. Criteria: ACMG Guidelines, 2015. Collection method: clinical testing. Allele origin: germline.

Labcorp Genetics (formerly Invitae), Labcorp
Classification: Uncertain significance. Last evaluated: 2018-05-29. Review status: criteria provided, single submitter. Criteria: Invitae Variant Classification Sherloc (09022015). Collection method: clinical testing. Allele origin: germline.
Comment: In summary, the available evidence is currently insufficient to determine the role of this variant in disease. Therefore, it has been classified as a Variant of Uncertain Significance. Algorithms developed to predict the effect of missense changes on protein structure and function (SIFT, PolyPhen-2, Align-GVGD) all suggest that this variant is likely to be tolerated, but these predictions have not been confirmed by published functional studies and their clinical significance is uncertain. This variant has not been reported in the literature in individuals with GNPTG-related disease. This variant is present in population databases (rs769323972, ExAC 0.006%). This sequence change replaces serine with asparagine at codon 73 of the GNPTG protein (p.Ser73Asn). The serine residue is moderately conserved and there is a small physicochemical difference between serine and asparagine.

NM_032520.5(GNPTG):c.218G>A (p.Ser73Asn)

Gene: GNPTG (N-acetylglucosamine-1-phosphate transferase subunit gamma; plus strand). Cytogenetic location: 16p13.3.
Variant type: single nucleotide variant.
Coding change: c.218G>A on transcript NM_032520.5 (MANE Select); coding-DNA position 218, G replaced by A.
Protein change: p.Ser73Asn; replaces serine 73 with asparagine.
Molecular consequence: missense variant.
Genome position (GRCh38, 1-based): chr16:1,361,782, G>A. VCF-style: chr16-1361782-G-A. GRCh37 (hg19) VCF-style: chr16-1411783-G-A.
Other names: c.218G>A (NM_032520.4); short protein forms S73N.
Identifiers: ClinVar variation 1006080 (VCV001006080.11), dbSNP rs769323972, ClinGen allele CA7807527.